The following is an entry in ClinVar:

ClinVar aggregate classification (germline): Uncertain significance. Review status: criteria provided, multiple submitters, no conflicts (2 of 4 stars). 2 submissions from 2 submitters: Uncertain significance (2). Last evaluated 2026-02-16.

Conditions:
Hereditary cancer-predisposing syndrome. Also called: Neoplastic Syndromes, Hereditary; Tumor predisposition; Hereditary Cancer Syndrome; Hereditary neoplastic syndrome. Identifiers: Orphanet 140162, MedGen C0027672, MeSH D009386, MONDO:0015356.
Tumor predisposition syndrome 3 (TPDS3). Also called: Melanoma, cutaneous malignant, susceptibility to, 10; Glioma susceptibility 9; LONG TELOMERE SYNDROME, POT1-RELATED; POT1 Tumor Predisposition. Identifiers: Orphanet 618, MedGen C4014476, MONDO:0014368, OMIM 615848.

Allele frequency attached by ClinVar (database versions not stated): gnomAD 0.00001.
gnomAD v4.1: 1 of 1,607,744 alleles (0.000062%); highest among the groups gnomAD compares: Admixed American, 0.0017%; no homozygotes.

Submissions (2):

Ambry Genetics
Classification: Uncertain significance for Hereditary cancer-predisposing syndrome. Last evaluated: 2026-02-16. Review status: criteria provided, single submitter. Criteria: Ambry Variant Classification Scheme 2023. Collection method: clinical testing. Allele origin: germline.
Comment: The p.V50L variant (also known as c.148G>T), located in coding exon 3 of the POT1 gene, results from a G to T substitution at nucleotide position 148. The valine at codon 50 is replaced by leucine, an amino acid with highly similar properties. This amino acid position is conserved. In addition, this alteration is predicted to be tolerated by in silico analysis. Based on the available evidence, the clinical significance of this variant remains unclear.

Labcorp Genetics (formerly Invitae), Labcorp
Classification: Uncertain significance for Tumor predisposition syndrome 3. Last evaluated: 2023-05-21. Review status: criteria provided, single submitter. Criteria: Invitae Variant Classification Sherloc (09022015). Collection method: clinical testing. Allele origin: germline.
Comment: This sequence change replaces valine, which is neutral and non-polar, with leucine, which is neutral and non-polar, at codon 50 of the POT1 protein (p.Val50Leu). In summary, the available evidence is currently insufficient to determine the role of this variant in disease. Therefore, it has been classified as a Variant of Uncertain Significance. Advanced modeling of protein sequence and biophysical properties (such as structural, functional, and spatial information, amino acid conservation, physicochemical variation, residue mobility, and thermodynamic stability) performed at Invitae indicates that this missense variant is not expected to disrupt POT1 protein function. ClinVar contains an entry for this variant (Variation ID: 1362981). This variant has not been reported in the literature in individuals affected with POT1-related conditions. This variant is not present in population databases (gnomAD no frequency).

NM_015450.3(POT1):c.148G>T (p.Val50Leu)

Gene: POT1 (protection of telomeres 1; minus strand). Cytogenetic location: 7q31.33.
Variant type: single nucleotide variant.
Coding change: c.148G>T on transcript NM_015450.3 (MANE Select); coding-DNA position 148, G replaced by T.
Protein change: p.Val50Leu; replaces valine 50 with leucine.
Molecular consequence: missense variant. On other transcripts: non-coding transcript variant (3), intron variant (1).
Genome position (GRCh38, 1-based): chr7:124,871,018, C>A on the plus strand (G>T on the coding strand, the complement: POT1 is on the minus strand). VCF-style: chr7-124871018-C-A. GRCh37 (hg19) VCF-style: chr7-124511072-C-A.
Other names: c.-138-7378G>T (NM_001042594.2); c.148G>T (NM_015450.2); short protein forms V50L.
Identifiers: ClinVar variation 1362981 (VCV001362981.7), dbSNP rs1688233518, ClinGen allele CA369061664.